The following is an entry in ClinVar:

ClinVar aggregate classification (germline): Uncertain significance (1 of 4 stars; one submission).

Conditions:
Inborn genetic diseases. Identifiers: MedGen C0950123, MeSH D030342.

Submission:

Ambry Genetics
Classification: Uncertain significance for Inborn genetic diseases. Last evaluated: 2025-05-19. Review status: criteria provided, single submitter. Criteria: Ambry Variant Classification Scheme 2023. Collection method: clinical testing. Allele origin: germline.
Comment: The p.E222A variant (also known as c.665A>C), located in coding exon 5 of the SBDS gene, results from an A to C substitution at nucleotide position 665. The glutamic acid at codon 222 is replaced by alanine, an amino acid with dissimilar properties. This amino acid position is conserved. In addition, the in silico prediction for this alteration is inconclusive. Based on the available evidence, the clinical significance of this variant remains unclear.

NM_016038.4(SBDS):c.665A>C (p.Glu222Ala)

Gene: SBDS (SBDS ribosome maturation factor; minus strand). Cytogenetic location: 7q11.21.
Variant type: single nucleotide variant.
Coding change: c.665A>C on transcript NM_016038.4 (MANE Select); coding-DNA position 665, A replaced by C.
Protein change: p.Glu222Ala; replaces glutamic acid 222 with alanine.
Molecular consequence: missense variant.
Genome position (GRCh38, 1-based): chr7:66,988,459, T>G on the plus strand (A>C on the coding strand, the complement: SBDS is on the minus strand). VCF-style: chr7-66988459-T-G. GRCh37 (hg19) VCF-style: chr7-66453446-T-G.
Other names: short protein forms E222A.
Identifiers: ClinVar variation 3950328 (VCV003950328.1).
Genomic context (GRCh38, chr7:66,988,459, plus strand): 5'-ACATCTTTCAGATTGAGTACTTCCAAAGAACCTTTGCCTTTAGTTTCCTTTTTTATTAGC[T>G]CATCAATTTCTCGGAAGCAGCCCGGGTCAATCAGACATACCTGAAACATTTAACGTAGCA-3'
Protein context (NP_057122.2, residues 212-232): IDPGCFREID[Glu222Ala]LIKKETKGKG